The following is an entry in ClinVar:

NM_004370.6(COL12A1):c.7318G>A (p.Glu2440Lys)

Genes: COL12A1 (collagen type XII alpha 1 chain; minus strand), LOC126859712 (MED14-independent group 3 enhancer GRCh37_chr6:75828643-75829842; plus strand). Cytogenetic location: 6q13.
Variant type: single nucleotide variant.
Coding change: c.7318G>A on transcript NM_004370.6 (MANE Select); coding-DNA position 7318, G replaced by A.
Protein change: p.Glu2440Lys; replaces glutamic acid 2440 with lysine.
Molecular consequence: missense variant.
Genome position (GRCh38, 1-based): chr6:75,119,079, C>T on the plus strand (G>A on the coding strand, the complement: COL12A1 is on the minus strand). VCF-style: chr6-75119079-C-T. GRCh37 (hg19) VCF-style: chr6-75828795-C-T.
Other names: c.3826G>A, p.Glu1276Lys (NM_080645.3); short protein forms E2440K, E1276K.
Identifiers: ClinVar variation 947971 (VCV000947971.10), dbSNP rs781647177, ClinGen allele CA3892599.

ClinVar aggregate classification (germline): Uncertain significance (1 of 4 stars; one submission).

Conditions:
Ullrich congenital muscular dystrophy 2 (UCMD2). Identifiers: Orphanet 75840, MedGen C4225314, MONDO:0014654, OMIM 616470.
Bethlem myopathy 2 (BTHLM2). Identifiers: Orphanet 536516, Orphanet 610, MedGen C4225313, MONDO:0034022, OMIM 616471.

Allele frequency attached by ClinVar (database versions not stated): gnomAD exomes 0.00001; ExAC 0.00002.
gnomAD v4.1: 7 of 1,613,998 alleles (0.00043%); highest among the groups gnomAD compares: South Asian, 0.0011%; no homozygotes.

Submission:

Labcorp Genetics (formerly Invitae), Labcorp
Classification: Uncertain significance for Bethlem myopathy 2; Ullrich congenital muscular dystrophy 2. Last evaluated: 2024-08-04. Review status: criteria provided, single submitter. Criteria: Invitae Variant Classification Sherloc (09022015). Collection method: clinical testing. Allele origin: germline.
Comment: This sequence change replaces glutamic acid, which is acidic and polar, with lysine, which is basic and polar, at codon 2440 of the COL12A1 protein (p.Glu2440Lys). This variant is present in population databases (rs781647177, gnomAD 0.002%). This variant has not been reported in the literature in individuals affected with COL12A1-related conditions. ClinVar contains an entry for this variant (Variation ID: 947971). Advanced modeling of protein sequence and biophysical properties (such as structural, functional, and spatial information, amino acid conservation, physicochemical variation, residue mobility, and thermodynamic stability) has been performed at Invitae for this missense variant, however the output from this modeling did not meet the statistical confidence thresholds required to predict the impact of this variant on COL12A1 protein function. In summary, the available evidence is currently insufficient to determine the role of this variant in disease. Therefore, it has been classified as a Variant of Uncertain Significance.